The following is an entry in ClinVar:

ClinVar aggregate classification (germline): Uncertain significance (1 of 4 stars; one submission).

Conditions:
TRPC5-related disorder. Also called: TRPC5-related condition.

Submission:

PreventionGenetics, part of Exact Sciences
Classification: Uncertain significance for TRPC5-related condition. Last evaluated: 2026-08-27. Review status: criteria provided, single submitter. Criteria: ACMG Guidelines, 2015. Collection method: clinical testing. Allele origin: germline.
Comment: The TRPC5 c.704A>G variant is predicted to result in the amino acid substitution p.Asn235Ser. To our knowledge, this variant has not been reported in the literature or in a large population database (gnomAD), indicating this variant is rare. At this time, the clinical significance of this variant is uncertain due to the absence of conclusive functional and genetic evidence.

NM_012471.3(TRPC5):c.704A>G (p.Asn235Ser)

Gene: TRPC5 (transient receptor potential cation channel subfamily C member 5; minus strand). Cytogenetic location: Xq23.
Variant type: single nucleotide variant.
Coding change: c.704A>G on transcript NM_012471.3 (MANE Select); coding-DNA position 704, A replaced by G.
Protein change: p.Asn235Ser; replaces asparagine 235 with serine.
Molecular consequence: missense variant.
Genome position (GRCh38, 1-based): chrX:111,912,487, T>C on the plus strand (A>G on the coding strand, the complement: TRPC5 is on the minus strand). VCF-style: chrX-111912487-T-C. GRCh37 (hg19) VCF-style: chrX-111155715-T-C.
Other names: short protein forms N235S.
Identifiers: ClinVar variation 4994890 (VCV004994890.1).